The following is an entry in ClinVar:

NM_001370259.2(MEN1):c.331G>A (p.Gly111Ser)

Gene: MEN1 (menin 1; minus strand). Cytogenetic location: 11q13.1.
Variant type: single nucleotide variant.
Coding change: c.331G>A on transcript NM_001370259.2 (MANE Select); coding-DNA position 331, G replaced by A.
Protein change: p.Gly111Ser; replaces glycine 111 with serine.
Molecular consequence: missense variant. On other transcripts: non-coding transcript variant (4).
Genome position (GRCh38, 1-based): chr11:64,809,779, C>T on the plus strand (G>A on the coding strand, the complement: MEN1 is on the minus strand). VCF-style: chr11-64809779-C-T. GRCh37 (hg19) VCF-style: chr11-64577251-C-T.
Other names: c.331G>A, p.Gly111Ser (NM_000244.4, NM_001370251.2, NM_001370260.2 and 20 more transcripts); short protein forms G111S.
Identifiers: ClinVar variation 3688231 (VCV003688231.2).

ClinVar aggregate classification (germline): Uncertain significance (1 of 4 stars; one submission).

Conditions:
Multiple endocrine neoplasia, type 1 (MEN1). Also called: MEN I; WERMER SYNDROME; Endocrine adenomatosis multiple; MEN 1; MEA I. Identifiers: Orphanet 652, MedGen C0025267, MeSH D018761, MONDO:0007540, OMIM 131100.

Submission:

Labcorp Genetics (formerly Invitae), Labcorp
Classification: Uncertain significance for Multiple endocrine neoplasia, type 1. Last evaluated: 2024-04-25. Review status: criteria provided, single submitter. Criteria: Invitae Variant Classification Sherloc (09022015). Collection method: clinical testing. Allele origin: germline.
Comment: This sequence change replaces glycine, which is neutral and non-polar, with serine, which is neutral and polar, at codon 111 of the MEN1 protein (p.Gly111Ser). This variant is not present in population databases (gnomAD no frequency). This variant has not been reported in the literature in individuals affected with MEN1-related conditions. Advanced modeling of protein sequence and biophysical properties (such as structural, functional, and spatial information, amino acid conservation, physicochemical variation, residue mobility, and thermodynamic stability) has been performed at Invitae for this missense variant, however the output from this modeling did not meet the statistical confidence thresholds required to predict the impact of this variant on MEN1 protein function. In summary, the available evidence is currently insufficient to determine the role of this variant in disease. Therefore, it has been classified as a Variant of Uncertain Significance.